The following is an entry in ClinVar:

NM_198578.4(LRRK2):c.3880A>T (p.Ile1294Leu)

Gene: LRRK2 (leucine rich repeat kinase 2; plus strand). Cytogenetic location: 12q12.
Variant type: single nucleotide variant.
Coding change: c.3880A>T on transcript NM_198578.4 (MANE Select); coding-DNA position 3880, A replaced by T.
Protein change: p.Ile1294Leu; replaces isoleucine 1294 with leucine.
Molecular consequence: missense variant.
Genome position (GRCh38, 1-based): chr12:40,305,887, A>T. VCF-style: chr12-40305887-A-T. GRCh37 (hg19) VCF-style: chr12-40699689-A-T.
Other names: short protein forms I1294L.
Identifiers: ClinVar variation 1735812 (VCV001735812.2), dbSNP rs2499795213, ClinGen allele CA384417254.

ClinVar aggregate classification (germline): Uncertain significance (1 of 4 stars; one submission).

Conditions:
Inborn genetic diseases. Identifiers: MedGen C0950123, MeSH D030342.

Submission:

Ambry Genetics
Classification: Uncertain significance for Inborn genetic diseases. Last evaluated: 2022-03-19. Review status: criteria provided, single submitter. Criteria: Ambry Variant Classification Scheme 2023. Collection method: clinical testing. Allele origin: germline.
Comment: The p.I1294L variant (also known as c.3880A>T), located in coding exon 28 of the LRRK2 gene, results from an A to T substitution at nucleotide position 3880. The isoleucine at codon 1294 is replaced by leucine, an amino acid with highly similar properties. This amino acid position is conserved. In addition, this alteration is predicted to be tolerated by in silico analysis. Since supporting evidence is limited at this time, the clinical significance of this alteration remains unclear.